The following is an entry in ClinVar:

ClinVar aggregate classification (germline): Uncertain significance (1 of 4 stars; one submission).

Submission:

Labcorp Genetics (formerly Invitae), Labcorp
Classification: Uncertain significance. Last evaluated: 2024-01-17. Review status: criteria provided, single submitter. Criteria: Invitae Variant Classification Sherloc (09022015). Collection method: clinical testing. Allele origin: germline.
Comment: This sequence change replaces phenylalanine, which is neutral and non-polar, with serine, which is neutral and polar, at codon 52 of the PACS2 protein (p.Phe52Ser). This variant is not present in population databases (gnomAD no frequency). This variant has not been reported in the literature in individuals affected with PACS2-related conditions. ClinVar contains an entry for this variant (Variation ID: 2011654). An algorithm developed to predict the effect of missense changes on protein structure and function (PolyPhen-2) suggests that this variant is likely to be tolerated. In summary, the available evidence is currently insufficient to determine the role of this variant in disease. Therefore, it has been classified as a Variant of Uncertain Significance.

NM_001100913.3(PACS2):c.155T>C (p.Phe52Ser)

Gene: PACS2 (phosphofurin acidic cluster sorting protein 2; plus strand). Cytogenetic location: 14q32.33.
Variant type: single nucleotide variant.
Coding change: c.155T>C on transcript NM_001100913.3 (MANE Select); coding-DNA position 155, T replaced by C.
Protein change: p.Phe52Ser; replaces phenylalanine 52 with serine.
Molecular consequence: missense variant. On other transcripts: 5 prime UTR variant (1).
Genome position (GRCh38, 1-based): chr14:105,348,528, T>C. VCF-style: chr14-105348528-T-C. GRCh37 (hg19) VCF-style: chr14-105814865-T-C.
Other names: c.-47T>C (NM_001243127.3); c.155T>C, p.Phe52Ser (NM_015197.4); short protein forms F52S.
Identifiers: ClinVar variation 2011654 (VCV002011654.4), dbSNP rs2544523843, ClinGen allele CA391198468.